The following is an entry in ClinVar:

NM_022081.6(HPS4):c.769A>G (p.Ser257Gly)

Gene: HPS4 (HPS4 biogenesis of lysosomal organelles complex 3 subunit 2; minus strand). Cytogenetic location: 22q12.1.
Variant type: single nucleotide variant.
Coding change: c.769A>G on transcript NM_022081.6 (MANE Select); coding-DNA position 769, A replaced by G.
Protein change: p.Ser257Gly; replaces serine 257 with glycine.
Molecular consequence: missense variant. On other transcripts: non-coding transcript variant (8).
Genome position (GRCh38, 1-based): chr22:26,465,489, T>C on the plus strand (A>G on the coding strand, the complement: HPS4 is on the minus strand). VCF-style: chr22-26465489-T-C. GRCh37 (hg19) VCF-style: chr22-26861455-T-C.
Other names: c.769A>G, p.Ser257Gly (NM_001349896.1, NM_001349898.2, NM_001349899.2 and 4 more transcripts); c.823A>G, p.Ser275Gly (NM_001349900.2, NM_001349901.1); c.754A>G, p.Ser252Gly (NM_152841.2); short protein forms S257G, S252G, S275G.
Identifiers: ClinVar variation 1401865 (VCV001401865.5), dbSNP rs753527423, ClinGen allele CA10163500.

ClinVar aggregate classification (germline): Uncertain significance (1 of 4 stars; one submission).

Allele frequency attached by ClinVar (database versions not stated): gnomAD exomes below 0.00001; ExAC 0.00001.

Submission:

Labcorp Genetics (formerly Invitae), Labcorp
Classification: Uncertain significance. Last evaluated: 2022-04-19. Review status: criteria provided, single submitter. Criteria: Invitae Variant Classification Sherloc (09022015). Collection method: clinical testing. Allele origin: germline.
Comment: This sequence change replaces serine, which is neutral and polar, with glycine, which is neutral and non-polar, at codon 257 of the HPS4 protein (p.Ser257Gly). This variant is present in population databases (rs753527423, gnomAD 0.0009%). This variant has not been reported in the literature in individuals affected with HPS4-related conditions. Algorithms developed to predict the effect of missense changes on protein structure and function output the following: SIFT: "Tolerated"; PolyPhen-2: "Benign"; Align-GVGD: "Class C0". The glycine amino acid residue is found in multiple mammalian species, which suggests that this missense change does not adversely affect protein function. In summary, the available evidence is currently insufficient to determine the role of this variant in disease. Therefore, it has been classified as a Variant of Uncertain Significance.